The following is an entry in ClinVar:

NM_002769.5(PRSS1):c.541A>G (p.Ser181Gly)

Genes: PRSS1 (serine protease 1; plus strand), TRB (T cell receptor beta locus; plus strand). Cytogenetic location: 7q34.
Variant type: single nucleotide variant.
Coding change: c.541A>G on transcript NM_002769.5 (MANE Select); coding-DNA position 541, A replaced by G.
Protein change: p.Ser181Gly; replaces serine 181 with glycine.
Molecular consequence: missense variant.
Genome position (GRCh38, 1-based): chr7:142,752,517, A>G. VCF-style: chr7-142752517-A-G. GRCh37 (hg19) VCF-style: chr7-142460368-A-G.
Other names: short protein forms S181G.
Identifiers: ClinVar variation 571921 (VCV000571921.12), dbSNP rs376907511, ClinGen allele CA4530054.

ClinVar aggregate classification (germline): Uncertain significance. Review status: criteria provided, multiple submitters, no conflicts (2 of 4 stars). 3 submissions from 3 submitters: Uncertain significance (3). Last evaluated 2025-08-07.

Conditions:
Hereditary pancreatitis (PCTT). Also called: Hereditary chronic pancreatitis; PRSS1-Related Hereditary Pancreatitis. Identifiers: Orphanet 676, MedGen C0238339, MONDO:0008185, OMIM 167800.

Allele frequency attached by ClinVar (database versions not stated): TOPMed 0.00001; gnomAD exomes 0.00004 and 0.00006; ExAC 0.00007; ESP Exome Variant Server 0.00008.
gnomAD v4.1: 60 of 1,614,224 alleles (0.0037%); highest among the groups gnomAD compares: Middle Eastern, 0.099%; 1 homozygote.

Submissions (3):

Labcorp Genetics (formerly Invitae), Labcorp
Classification: Uncertain significance for Hereditary pancreatitis. Last evaluated: 2025-08-07. Review status: criteria provided, single submitter. Criteria: Invitae Variant Classification Sherloc (09022015). Collection method: clinical testing. Allele origin: germline.
Comment: This sequence change replaces serine, which is neutral and polar, with glycine, which is neutral and non-polar, at codon 181 of the PRSS1 protein (p.Ser181Gly). The frequency data for this variant in the population databases is considered unreliable, as metrics indicate poor data quality at this position in the gnomAD database. This missense change has been observed in individual(s) with pancreatitis (PMID: 20950468). ClinVar contains an entry for this variant (Variation ID: 571921). Invitae Evidence Modeling of protein sequence and biophysical properties (such as structural, functional, and spatial information, amino acid conservation, physicochemical variation, residue mobility, and thermodynamic stability) indicates that this missense variant is not expected to disrupt PRSS1 protein function with a negative predictive value of 80%. Experimental studies have shown that this missense change does not substantially affect PRSS1 function (PMID: 23455445). In summary, the available evidence is currently insufficient to determine the role of this variant in disease. Therefore, it has been classified as a Variant of Uncertain Significance.

Ambry Genetics
Classification: Uncertain significance for Hereditary pancreatitis. Last evaluated: 2024-06-21. Review status: criteria provided, single submitter. Criteria: Ambry Variant Classification Scheme 2023. Collection method: clinical testing. Allele origin: germline.
Comment: The p.S181G variant (also known as c.541A>G), located in coding exon 4 of the PRSS1 gene, results from an A to G substitution at nucleotide position 541. The serine at codon 181 is replaced by glycine, an amino acid with similar properties. This variant was detected in a child with recurrent acute pancreatitis in conjunction with CFTR p.F508del; the child's healthy mother was also heterozygous for both variants (Corleto VD et al. BMC Gastroenterol, 2010 Oct;10:119). In HEK293 cells, this variant demonstrated similar autoactivation and secretion compared to wild type (Schn&uacute;r A et al. Gut, 2014 Feb;63:337-43). This amino acid position is poorly conserved in available vertebrate species. In addition, this alteration is predicted to be tolerated by in silico analysis. Based on available evidence to date, the clinical significance of this alteration remains unclear.

Women's Health and Genetics/Laboratory Corporation of America, LabCorp
Classification: Uncertain significance. Last evaluated: 2022-10-20. Review status: criteria provided, single submitter. Criteria: LabCorp Variant Classification Summary - May 2015. Collection method: clinical testing. Allele origin: germline.
Comment: Variant summary: PRSS1 c.541A>G (p.Ser181Gly) results in a non-conservative amino acid change located in the trypsin domain (IPR001254) of the encoded protein sequence. Four of five in-silico tools predict a benign effect of the variant on protein function. The variant allele was found at a frequency of 6.4e-05 in 251490 control chromosomes in the gnomAD database, however due to the presence of a highly homologous pseudogene for PRSS1, this finding should be interpreted with caution and allows no conclusion about variant significance. Therefore, this report does not provide unequivocal conclusions about association of the variant with Chronic Pancreatitis Risk. At least one publication reports experimental evidence evaluating an impact on protein function. These results showed no damaging effect of this variant with respect to protein autoactivation, secretion, and enzymatic activity (e.g. Schnur_2014). One clinical diagnostic laboratory has submitted a clinical-significance assessment for this variant to ClinVar after 2014 and classified the variant as uncertain significance. Based on the evidence outlined above, the variant was classified as VUS-possibly benign.

Literature cited by the submitters: PubMed 20950468 (cited by 3 submitters); PubMed 23455445 (cited by 3 submitters); PubMed 21499205 (cited by Ambry Genetics).